The following is an entry in ClinVar:

NM_006059.4(LAMC3):c.1324G>A (p.Asp442Asn)

Gene: LAMC3 (laminin subunit gamma 3; plus strand). Cytogenetic location: 9q34.12.
Variant type: single nucleotide variant.
Coding change: c.1324G>A on transcript NM_006059.4 (MANE Select); coding-DNA position 1324, G replaced by A.
Protein change: p.Asp442Asn; replaces aspartic acid 442 with asparagine.
Molecular consequence: missense variant.
Genome position (GRCh38, 1-based): chr9:131,041,677, G>A. VCF-style: chr9-131041677-G-A. GRCh37 (hg19) VCF-style: chr9-133917064-G-A.
Other names: short protein forms D442N.
Identifiers: ClinVar variation 1468438 (VCV001468438.6), dbSNP rs539545409, ClinGen allele CA5287042.

ClinVar aggregate classification (germline): Uncertain significance (1 of 4 stars; one submission).

Allele frequency attached by ClinVar (database versions not stated): TOPMed below 0.00001; ExAC 0.00001; gnomAD 0.00001; gnomAD exomes 0.00004; 1000 Genomes Project 0.00020; 1000 Genomes Project 30x 0.00031.
gnomAD v4.1: 35 of 1,614,110 alleles (0.0022%); highest among the groups gnomAD compares: South Asian, 0.035%; no homozygotes.

Submission:

Labcorp Genetics (formerly Invitae), Labcorp
Classification: Uncertain significance. Last evaluated: 2024-08-12. Review status: criteria provided, single submitter. Criteria: Invitae Variant Classification Sherloc (09022015). Collection method: clinical testing. Allele origin: germline.
Comment: This sequence change replaces aspartic acid, which is acidic and polar, with asparagine, which is neutral and polar, at codon 442 of the LAMC3 protein (p.Asp442Asn). This variant is present in population databases (rs539545409, gnomAD 0.03%). This variant has not been reported in the literature in individuals affected with LAMC3-related conditions. ClinVar contains an entry for this variant (Variation ID: 1468438). An algorithm developed to predict the effect of missense changes on protein structure and function (PolyPhen-2) suggests that this variant is likely to be disruptive. In summary, the available evidence is currently insufficient to determine the role of this variant in disease. Therefore, it has been classified as a Variant of Uncertain Significance.